The following is an entry in ClinVar:

ClinVar aggregate classification (germline): Conflicting classifications of pathogenicity. Review status: criteria provided, conflicting classifications (1 of 4 stars). 2 submissions from 2 submitters: Uncertain significance (1); Likely benign (1). Last evaluated 2026-06-26.

gnomAD v4.1: 1 of 1,610,814 alleles (0.000062%); highest among the groups gnomAD compares: African/African-American, 0.0013%; no homozygotes.

Submissions (2):

GeneDx
Classification: Uncertain significance. Last evaluated: 2026-06-26. Review status: criteria provided, single submitter. Criteria: GeneDx Variant Classification Process June 2021. Collection method: clinical testing. Allele origin: germline.
Comment: Not observed at significant frequency in large population cohorts (gnomAD); In silico analysis supports that this missense variant has a deleterious effect on protein structure/function; Has not been previously published as pathogenic or benign to our knowledge

Labcorp Genetics (formerly Invitae), Labcorp
Classification: Likely benign. Last evaluated: 2024-06-04. Review status: criteria provided, single submitter. Criteria: Invitae Variant Classification Sherloc (09022015). Collection method: clinical testing. Allele origin: germline.

NM_006922.4(SCN3A):c.346C>T (p.Pro116Ser)

Gene: SCN3A (sodium voltage-gated channel alpha subunit 3; minus strand). Cytogenetic location: 2q24.3.
Variant type: single nucleotide variant.
Coding change: c.346C>T on transcript NM_006922.4 (MANE Select); coding-DNA position 346, C replaced by T.
Protein change: p.Pro116Ser; replaces proline 116 with serine.
Molecular consequence: missense variant.
Genome position (GRCh38, 1-based): chr2:165,170,467, G>A on the plus strand (C>T on the coding strand, the complement: SCN3A is on the minus strand). VCF-style: chr2-165170467-G-A. GRCh37 (hg19) VCF-style: chr2-166026977-G-A.
Other names: c.346C>T, p.Pro116Ser (NM_001081676.2, NM_001081677.2); short protein forms P116S.
Identifiers: ClinVar variation 3390746 (VCV003390746.4).
Genomic context (GRCh38, chr2:165,170,467, plus strand): 5'-GGCAATTCACATTAAAAGGATATGAATGTACCAAAATCTTGATAGCAATTTTCCTAACAG[G>A]GTTTAGTGGAGTTAAAATATACAAGGCAGAGGTGGCACTGAATCGGAAAATTGCCTTTCC-3'
Protein context (NP_008853.3, residues 106-126): SALYILTPLN[Pro116Ser]VRKIAIKILV